The following is an entry in ClinVar:

NM_002029.4(FPR1):c.897G>A (p.Met299Ile)

Gene: FPR1 (formyl peptide receptor 1; minus strand). Cytogenetic location: 19q13.41.
Variant type: single nucleotide variant.
Coding change: c.897G>A on transcript NM_002029.4 (MANE Select); coding-DNA position 897, G replaced by A.
Protein change: p.Met299Ile; replaces methionine 299 with isoleucine.
Molecular consequence: missense variant.
Genome position (GRCh38, 1-based): chr19:51,746,098, C>T on the plus strand (G>A on the coding strand, the complement: FPR1 is on the minus strand). VCF-style: chr19-51746098-C-T. GRCh37 (hg19) VCF-style: chr19-52249351-C-T.
Other names: c.897G>A, p.Met299Ile (NM_001193306.2); short protein forms M299I.
Identifiers: ClinVar variation 2988746 (VCV002988746.3), dbSNP rs529498075, ClinGen allele CA309807842.
Genomic context (GRCh38, chr19:51,746,098, plus strand): 5'-ACTGGCGGGAAGGGCGTGGATCAGCCTCTCCCGGAAGTCCTGGCCCATGAAGACATAGAG[C>T]ATGGGGTTGAGGCAGCTGTTGAAGAAGGCCAGGGCACTTGTCACATCCACTGCAATACCA-3'
Protein context (NP_002020.1, residues 289-309): LAFFNSCLNP[Met299Ile]LYVFMGQDFR

ClinVar aggregate classification (germline): Uncertain significance (1 of 4 stars; one submission).

Conditions:
Gingival disorder. Also called: Gingival disease. Identifiers: MedGen C0017563, MONDO:0002021.

Allele frequency attached by ClinVar (database versions not stated): gnomAD exomes 0.00002.
gnomAD v4.1: 10 of 1,614,190 alleles (0.00062%); highest among the groups gnomAD compares: Non-Finnish European, 0.00085%; no homozygotes.

Submission:

Labcorp Genetics (formerly Invitae), Labcorp
Classification: Uncertain significance for Gingival disorder. Last evaluated: 2023-08-23. Review status: criteria provided, single submitter. Criteria: Invitae Variant Classification Sherloc (09022015). Collection method: clinical testing. Allele origin: germline.
Comment: This variant has not been reported in the literature in individuals affected with FPR1-related conditions. This sequence change replaces methionine, which is neutral and non-polar, with isoleucine, which is neutral and non-polar, at codon 299 of the FPR1 protein (p.Met299Ile). This variant is present in population databases (rs529498075, gnomAD 0.002%). Algorithms developed to predict the effect of missense changes on protein structure and function output the following: SIFT: "Not Available"; PolyPhen-2: "Benign"; Align-GVGD: "Not Available". The isoleucine amino acid residue is found in multiple mammalian species, which suggests that this missense change does not adversely affect protein function. In summary, the available evidence is currently insufficient to determine the role of this variant in disease. Therefore, it has been classified as a Variant of Uncertain Significance.